The following is an entry in ClinVar:

NM_003002.4(SDHD):c.372C>G (p.Ala124=)

Gene: SDHD (succinate dehydrogenase complex subunit D; plus strand). Cytogenetic location: 11q23.1.
Variant type: single nucleotide variant.
Coding change: c.372C>G on transcript NM_003002.4 (MANE Select); coding-DNA position 372, C replaced by G.
Protein change: p.Ala124=; no amino-acid change (alanine 124 retained).
Molecular consequence: synonymous variant. On other transcripts: missense variant (1), 3 prime UTR variant (1), non-coding transcript variant (1).
Genome position (GRCh38, 1-based): chr11:112,094,862, C>G. VCF-style: chr11-112094862-C-G. GRCh37 (hg19) VCF-style: chr11-111965586-C-G.
Other names: c.227C>G, p.Pro76Arg (NM_001276503.2); c.255C>G, p.Ala85= (NM_001276504.2); c.*70C>G (NM_001276506.2); short protein forms P76R.
Identifiers: ClinVar variation 1104611 (VCV001104611.13), dbSNP rs2135277535, ClinGen allele CA382619035.

ClinVar aggregate classification (germline): Benign/Likely benign. Review status: criteria provided, multiple submitters, no conflicts (2 of 4 stars). 3 submissions from 3 submitters: Benign (1); Likely benign (2). Last evaluated 2025-03-18.

Conditions:
Hereditary cancer-predisposing syndrome. Also called: Neoplastic Syndromes, Hereditary; Hereditary neoplastic syndrome; Hereditary Cancer Syndrome; Tumor predisposition. Identifiers: Orphanet 140162, MedGen C0027672, MeSH D009386, MONDO:0015356.
Carney-Stratakis syndrome. Also called: PARAGANGLIOMA AND GASTROINTESTINAL STROMAL TUMOR. Identifiers: Orphanet 97286, MedGen C1847319, MONDO:0011740, OMIM 606864.
Pheochromocytoma. Also called: MAX-Related Hereditary Paraganglioma-Pheochromocytoma Syndrome. Identifiers: Orphanet 29072, MedGen C0031511, MONDO:0008233, OMIM 171300, HP:0002666.
Paragangliomas with sensorineural hearing loss. Identifiers: MedGen C1868633.
Cowden syndrome 3 (CWS3). Identifiers: Orphanet 201, MedGen CN166604, MONDO:0014045.
Pheochromocytoma/paraganglioma syndrome 1. Also called: Paragangliomas 1; PARAGANGLIOMAS, FAMILIAL NONCHROMAFFIN, 1; PGL 1; Paragangliomas familial 1; SDHD-Related Hereditary Paraganglioma-Pheochromocytoma Syndrome; PARAGANGLIOMATA. Identifiers: Orphanet 29072, MedGen C3494181, MONDO:0008192, OMIM 168000.

Submissions (3):

Myriad Genetics, Inc.
Classification: Benign for Pheochromocytoma/paraganglioma syndrome 1. Last evaluated: 2025-03-18. Review status: criteria provided, single submitter. Criteria: Myriad Autosomal Dominant, Autosomal Recessive and X-Linked Classification Criteria (2023). Collection method: clinical testing. Allele origin: unknown.
Comment: This variant is considered benign. This variant is a silent/synonymous amino acid change and it is not expected to impact splicing.

Labcorp Genetics (formerly Invitae), Labcorp
Classification: Likely benign for Carney-Stratakis syndrome; Paragangliomas with sensorineural hearing loss; Pheochromocytoma; Cowden syndrome 3. Last evaluated: 2024-04-15. Review status: criteria provided, single submitter. Criteria: Invitae Variant Classification Sherloc (09022015). Collection method: clinical testing. Allele origin: germline.

Ambry Genetics
Classification: Likely benign for Hereditary cancer-predisposing syndrome. Last evaluated: 2020-03-16. Review status: criteria provided, single submitter. Criteria: Ambry Variant Classification Scheme 2023. Collection method: clinical testing. Allele origin: germline.